The following is an entry in ClinVar:

NM_182914.3(SYNE2):c.2333C>G (p.Ser778Cys)

Gene: SYNE2 (spectrin repeat containing nuclear envelope protein 2; plus strand). Cytogenetic location: 14q23.2.
Variant type: single nucleotide variant.
Coding change: c.2333C>G on transcript NM_182914.3 (MANE Select); coding-DNA position 2333, C replaced by G.
Protein change: p.Ser778Cys; replaces serine 778 with cysteine.
Molecular consequence: missense variant.
Genome position (GRCh38, 1-based): chr14:63,990,430, C>G. VCF-style: chr14-63990430-C-G. GRCh37 (hg19) VCF-style: chr14-64457148-C-G.
Other names: c.2333C>G (NM_182914.2); c.2333C>G, p.Ser778Cys (NM_015180.6); short protein forms S778C.
Identifiers: ClinVar variation 1539048 (VCV001539048.22), dbSNP rs186652746, ClinGen allele CA7219667.

ClinVar aggregate classification (germline): Conflicting classifications of pathogenicity. Review status: criteria provided, conflicting classifications (1 of 4 stars). 3 submissions from 3 submitters: Uncertain significance (1); Likely benign (2). Last evaluated 2025-11-08.

Conditions:
Emery-Dreifuss muscular dystrophy 5, autosomal dominant (EDMD5). Also called: EMERY-DREIFUSS MUSCULAR DYSTROPHY 5. Identifiers: Orphanet 261, MedGen C2751805, MONDO:0013072, OMIM 612999.

Allele frequency attached by ClinVar (database versions not stated): gnomAD 0.00003 and 0.00005; TOPMed 0.00006; ESP Exome Variant Server 0.00008; gnomAD exomes 0.00011; ExAC 0.00013; 1000 Genomes Project 0.00020; 1000 Genomes Project 30x 0.00031.
gnomAD v4.1: 49 of 1,613,068 alleles (0.003%); highest among the groups gnomAD compares: East Asian, 0.062%; no homozygotes.

Submissions (3):

Ambry Genetics
Classification: Uncertain significance. Last evaluated: 2025-11-08. Review status: criteria provided, single submitter. Criteria: Ambry Variant Classification Scheme 2023. Collection method: clinical testing. Allele origin: germline.

Labcorp Genetics (formerly Invitae), Labcorp
Classification: Likely benign for Emery-Dreifuss muscular dystrophy 5, autosomal dominant. Last evaluated: 2025-07-20. Review status: criteria provided, single submitter. Criteria: Invitae Variant Classification Sherloc (09022015). Collection method: clinical testing. Allele origin: germline.

CeGaT Center for Human Genetics Tuebingen
Classification: Likely benign. Last evaluated: 2025-01-01. Review status: criteria provided, single submitter. Criteria: CeGaT Center For Human Genetics Tuebingen Variant Classification Criteria Version 2. Collection method: clinical testing. Allele origin: germline. Affected: yes. Observed: 1 variant allele.
Comment: SYNE2: BP4